The following is an entry in ClinVar:

ClinVar aggregate classification (germline): Uncertain significance (1 of 4 stars; one submission).

Conditions:
Inborn genetic diseases. Identifiers: MedGen C0950123, MeSH D030342.

Allele frequency attached by ClinVar (database versions not stated): gnomAD 0.00001; TOPMed 0.00001; ExAC 0.00002.
gnomAD v4.1: 7 of 1,613,974 alleles (0.00043%); highest among the groups gnomAD compares: Non-Finnish European, 0.00059%; no homozygotes.

Submission:

Ambry Genetics
Classification: Uncertain significance for Inborn genetic diseases. Last evaluated: 2021-09-26. Review status: criteria provided, single submitter. Criteria: Ambry Variant Classification Scheme 2023. Collection method: clinical testing. Allele origin: germline.
Comment: The p.L649V variant (also known as c.1945C>G), located in coding exon 9 of the ATR gene, results from a C to G substitution at nucleotide position 1945. The leucine at codon 649 is replaced by valine, an amino acid with highly similar properties. This amino acid position is conserved. In addition, this alteration is predicted to be tolerated by in silico analysis. Since supporting evidence is limited at this time, the clinical significance of this alteration remains unclear.

NM_001184.4(ATR):c.1945C>G (p.Leu649Val)

Gene: ATR (ATR checkpoint kinase; minus strand). Cytogenetic location: 3q23.
Variant type: single nucleotide variant.
Coding change: c.1945C>G on transcript NM_001184.4 (MANE Select); coding-DNA position 1945, C replaced by G.
Protein change: p.Leu649Val; replaces leucine 649 with valine.
Molecular consequence: missense variant.
Genome position (GRCh38, 1-based): chr3:142,556,516, G>C on the plus strand (C>G on the coding strand, the complement: ATR is on the minus strand). VCF-style: chr3-142556516-G-C. GRCh37 (hg19) VCF-style: chr3-142275358-G-C.
Other names: c.1753C>G, p.Leu585Val (NM_001354579.2); short protein forms L585V, L649V.
Identifiers: ClinVar variation 1783113 (VCV001783113.2), dbSNP rs771284495, ClinGen allele CA2650465.